The following is an entry in ClinVar:

NC_000005.10:g.139276152T>A

Genes: MATR3 (matrin 3; plus strand), SNHG4 (small nucleolar RNA host gene 4; plus strand). Cytogenetic location: 5q31.2.
Variant type: single nucleotide variant.
Molecular consequence: splice donor variant (on NM_001400451.1).
Genome position: GRCh38 VCF-style: chr5-139276152-T-A. GRCh37 (hg19) VCF-style: chr5-138611841-T-A.
Other names: c.-462+2T>A (NM_001400451.1, NM_001400455.1, NM_001400444.1 and 1 more transcripts); c.-339+2T>A (NM_001400450.1, NM_001400442.1, NM_199189.3); c.-178+2T>A (NM_001400441.1, NM_001400443.1, NM_001400453.1); c.-586+2T>A (NM_001400452.1); c.-463+2T>A (NM_001400454.1); c.-235+2T>A (NM_001400459.1); c.-387+2T>A (NM_001400463.1); c.-264+2T>A (NM_001400460.1, NM_001282278.2); and 5 more.
Identifiers: ClinVar variation 1366675 (VCV001366675.16), dbSNP rs539017488, ClinGen allele CA128740404.
Genomic context (GRCh38, chr5:139,276,152, plus strand): 5'-CTGACTAACCTGGAGTTGTTTCATTGCAGAGAGGCTGGCTGTGGCAGATGCAACTGCAGG[T>A]GAGTGCAACCCCTTCAGCTCTCTTGGCTCCAGCTGTAGGCAGCTGCCTAGGTTGTCTTGT-3'

ClinVar aggregate classification (germline): Uncertain significance. Review status: criteria provided, multiple submitters, no conflicts (2 of 4 stars). 4 submissions from 4 submitters: Uncertain significance (4). Last evaluated 2025-10-01.

Conditions:
Distal myopathy with vocal cord weakness. Identifiers: Orphanet 600, MedGen C1853723, MONDO:0018951.
Amyotrophic lateral sclerosis type 21. Also called: VOCAL CORD AND PHARYNGEAL DYSFUNCTION WITH DISTAL MYOPATHY; MYOPATHY, DISTAL, 2. Identifiers: Orphanet 600, Orphanet 803, MedGen C3807521, MONDO:0011632, OMIM 606070.

Allele frequency attached by ClinVar (database versions not stated): gnomAD 0.00009; TOPMed 0.00009; gnomAD exomes 0.00006 and 0.00009; 1000 Genomes Project 30x 0.00031.
gnomAD v4.1: 33 of 456,678 alleles (0.0072%); highest among the groups gnomAD compares: Non-Finnish European, 0.013%; no homozygotes.

Submissions (4):

CeGaT Center for Human Genetics Tuebingen
Classification: Uncertain significance. Last evaluated: 2025-10-01. Review status: criteria provided, single submitter. Criteria: CeGaT Center For Human Genetics Tuebingen Variant Classification Criteria Version 2. Collection method: clinical testing. Allele origin: germline. Affected: yes. Observed: 1 variant allele.
Comment: MATR3: PM2:Supporting, PP3, PS4:Supporting

Women's Health and Genetics/Laboratory Corporation of America, LabCorp
Classification: Uncertain significance. Last evaluated: 2024-09-26. Review status: criteria provided, single submitter. Criteria: LabCorp Variant Classification Summary - May 2015. Collection method: clinical testing. Allele origin: germline.
Comment: Variant summary: MATR3 c.-339+2T>A affects a canonical splice-site located in the untranslated mRNA region upstream of the initiation codon. Variants that disrupt the consensus splice site are a relatively common cause of aberrant splicing, however current evidence is not sufficient to establish loss of function as a mechanism for disease and this variant is not expected to impact the protein coding sequence. Several computational tools predict a significant impact on normal splicing: Four predict the variant abolishes a 5' splicing donor site. However, these predictions have yet to be confirmed by functional studies. The variant allele was found at a frequency of 8.9e-05 in 134590 control chromosomes. This frequency is not significantly higher than estimated for a pathogenic variant in MATR3 causing Amyotrophic Lateral Sclerosis Type 1, allowing no conclusion about variant significance. c.-339+2T>A has been reported in the literature in individuals affected with Amyotrophic Lateral Sclerosis Type 1 and/or neuromuscular disease, but without strong evidence (i.e. segregation data) supporting causality (e.g. Leblond_2016, Marangi_2017, Lattante_2020, Topf_2020). These reports do not provide unequivocal conclusions about association of the variant with Amyotrophic Lateral Sclerosis Type 1. To our knowledge, no experimental evidence demonstrating an impact on protein function has been reported. The following publications have been ascertained in the context of this evaluation (PMID: 26493020, 28029397, 32528171, 32987860). ClinVar contains an entry for this variant (Variation ID: 1366675). Based on the evidence outlined above, the variant was classified as uncertain significance.

Department of Pathology and Laboratory Medicine, Sinai Health System
Classification: Uncertain significance for distal myopathy with vocal cord weakness. Last evaluated: 2021-08-24. Review status: criteria provided, single submitter. Criteria: ACMG Guidelines, 2015. Collection method: research. Allele origin: germline.

Labcorp Genetics (formerly Invitae), Labcorp
Classification: Uncertain significance for Amyotrophic lateral sclerosis type 21. Last evaluated: 2021-01-12. Review status: criteria provided, single submitter. Criteria: Invitae Variant Classification Sherloc (09022015). Collection method: clinical testing. Allele origin: germline.
Comment: This sequence change falls in intron 2 of the MATR3 gene. It does not directly change the encoded amino acid sequence of the MATR3 protein. It affects a nucleotide within the consensus splice site of the intron. The frequency data for this variant in the population databases is considered unreliable, as metrics indicate insufficient coverage at this position in the ExAC database. This variant has been observed in individual(s) with sporadic amyotrophic lateral sclerosis (PMID: 26493020). Nucleotide substitutions within the consensus splice site are a relatively common cause of aberrant splicing (PMID: 17576681, 9536098). Algorithms developed to predict the effect of sequence changes on RNA splicing suggest that this variant may disrupt the consensus splice site, but this prediction has not been confirmed by published transcriptional studies. In summary, the available evidence is currently insufficient to determine the role of this variant in disease. Therefore, it has been classified as a Variant of Uncertain Significance.

Literature cited by the submitters: PubMed 32528171 (cited by Women's Health and Genetics/Laboratory Corporation of America, LabCorp); PubMed 32987860 (cited by Women's Health and Genetics/Laboratory Corporation of America, LabCorp); PubMed 26493020 (cited by Women's Health and Genetics/Laboratory Corporation of America, LabCorp and Labcorp Genetics (formerly Invitae), Labcorp); PubMed 28029397 (cited by Women's Health and Genetics/Laboratory Corporation of America, LabCorp); PubMed 17576681 (cited by Labcorp Genetics (formerly Invitae), Labcorp); PubMed 9536098 (cited by Labcorp Genetics (formerly Invitae), Labcorp).